The following is an entry in ClinVar:

NM_004415.4(DSP):c.6658A>G (p.Thr2220Ala)

Gene: DSP (desmoplakin; plus strand). Cytogenetic location: 6p24.3.
Variant type: single nucleotide variant.
Coding change: c.6658A>G on transcript NM_004415.4 (MANE Select); coding-DNA position 6658, A replaced by G.
Protein change: p.Thr2220Ala; replaces threonine 2220 with alanine.
Molecular consequence: missense variant.
Genome position (GRCh38, 1-based): chr6:7,583,920, A>G. VCF-style: chr6-7583920-A-G. GRCh37 (hg19) VCF-style: chr6-7584153-A-G.
Other names: c.4861A>G, p.Thr1621Ala (NM_001008844.3); c.5329A>G, p.Thr1777Ala (NM_001319034.2); short protein forms T1621A, T1777A, T2220A.
Identifiers: ClinVar variation 3386705 (VCV003386705.1).
Genomic context (GRCh38, chr6:7,583,920, plus strand): 5'-TTGCTTTCAGTACAGAAGAGAAGCATGTCCTTCCAAGGAATCAGACAACCTGTGACCGTC[A>G]CTGAGCTAGTAGATTCTGGTATATTGAGACCGTCCACTGTCAATGAACTGGAATCTGGTC-3'
Protein context (NP_004406.2, residues 2210-2230): FQGIRQPVTV[Thr2220Ala]ELVDSGILRP

ClinVar aggregate classification (germline): Uncertain significance (1 of 4 stars; one submission).

Conditions:
Arrhythmogenic cardiomyopathy with wooly hair and keratoderma. Also called: Carvajal syndrome; PALMOPLANTAR KERATODERMA WITH LEFT VENTRICULAR CARDIOMYOPATHY AND WOOLLY HAIR; Dilated cardiomyopathy with woolly hair and keratoderma; Arrhythmogenic cardiomyopathy with woolly hair and keratoderma. Identifiers: Orphanet 65282, MedGen C1854063, MONDO:0011581, OMIM 605676.

Submission:

All of Us Research Program, National Institutes of Health
Classification: Uncertain significance for Arrhythmogenic cardiomyopathy with wooly hair and keratoderma. Last evaluated: 2024-09-23. Review status: criteria provided, single submitter. Criteria: ACMG Guidelines, 2015. Collection method: clinical testing. Allele origin: germline. Inheritance: Autosomal dominant inheritance. Observed: 2 variant alleles, 2 heterozygotes.
Comment: This missense variant replaces threonine with alanine at codon 2220 of the DSP protein. Computational prediction suggests that this variant may not impact protein structure and function. To our knowledge, functional studies have not been reported for this variant. This variant has not been reported in individuals affected with DSP-related disorders in the literature. This variant has not been identified in the general population by the Genome Aggregation Database (gnomAD). The available evidence is insufficient to determine the role of this variant in disease conclusively. Therefore, this variant is classified as a Variant of Uncertain Significance.

This study involves interpretation of variants in research participants for the purpose of population health screening. Participant phenotype was not available at the time of variant classification. Additional details can be found in publication PMID: 35346344, PMCID: PMC8962531